The following is an entry in ClinVar:

ClinVar aggregate classification (germline): Conflicting classifications of pathogenicity. Review status: criteria provided, conflicting classifications (1 of 4 stars). 3 submissions from 3 submitters: Uncertain significance (2); Likely benign (1). Last evaluated 2025-10-23.

Conditions:
Hereditary cancer-predisposing syndrome. Also called: Hereditary Cancer Syndrome; Hereditary neoplastic syndrome; Neoplastic Syndromes, Hereditary; Tumor predisposition. Identifiers: Orphanet 140162, MedGen C0027672, MeSH D009386, MONDO:0015356.
Hereditary breast ovarian cancer syndrome. Also called: Hereditary breast and ovarian cancer; Breast and ovarian cancer; Hereditary breast and ovarian cancer syndrome; Hereditary breast and/or ovarian cancer syndrome; BRCA1- and BRCA2-Associated Hereditary Breast and Ovarian Cancer; Hereditary breast and ovarian cancer syndrome (HBOC). Identifiers: Orphanet 145, MedGen C0677776, MeSH D061325, MONDO:0003582. Disease mechanism: loss of function.

Allele frequency attached by ClinVar (database versions not stated): gnomAD exomes below 0.00001; ExAC 0.00001.
gnomAD v4.1: 2 of 1,614,090 alleles (0.00012%); highest among the groups gnomAD compares: African/African-American, 0.0013%; no homozygotes.

Submissions (3):

Ambry Genetics
Classification: Uncertain significance for Hereditary cancer-predisposing syndrome. Last evaluated: 2025-10-23. Review status: criteria provided, single submitter. Criteria: Ambry Variant Classification Scheme 2023. Collection method: clinical testing. Allele origin: germline.
Comment: The p.S289N variant (also known as c.866G>A), located in coding exon 9 of the BRCA1 gene, results from a G to A substitution at nucleotide position 866. The serine at codon 289 is replaced by asparagine, an amino acid with highly similar properties. This variant was not reported in population based cohorts in the following databases: Database of Single Nucleotide Polymorphisms (dbSNP), NHLBI Exome Sequencing Project (ESP), and 1000 Genomes Project. In the ESP, this variant was not observed in 6503 samples (13006 alleles) with coverage at this position. To date, this alteration has been detected with an allele frequency of approximately 0.0004% (greater than 225000 alleles tested) in our clinical cohort. This amino acid position is highly conserved in available vertebrate species. In addition, this alteration is predicted to be possibly damaging and deleterious by PolyPhen and SIFT in silico Since supporting evidence is limited at this time, the clinical significance of this alteration remains unclear.analyses, respectively.

Labcorp Genetics (formerly Invitae), Labcorp
Classification: Uncertain significance for Hereditary breast ovarian cancer syndrome. Last evaluated: 2025-10-15. Review status: criteria provided, single submitter. Criteria: Invitae Variant Classification Sherloc (09022015). Collection method: clinical testing. Allele origin: germline.
Comment: This sequence change replaces serine, which is neutral and polar, with asparagine, which is neutral and polar, at codon 289 of the BRCA1 protein (p.Ser289Asn). This variant is present in population databases (rs776999497, gnomAD 0.0009%). This variant has not been reported in the literature in individuals affected with BRCA1-related conditions. ClinVar contains an entry for this variant (Variation ID: 441442). Invitae Evidence Modeling of protein sequence and biophysical properties (such as structural, functional, and spatial information, amino acid conservation, physicochemical variation, residue mobility, and thermodynamic stability) indicates that this missense variant is not expected to disrupt BRCA1 protein function with a negative predictive value of 80%. In summary, the available evidence is currently insufficient to determine the role of this variant in disease. Therefore, it has been classified as a Variant of Uncertain Significance.

University of Washington Department of Laboratory Medicine, University of Washington
Classification: Likely benign for Hereditary cancer-predisposing syndrome. Last evaluated: 2023-03-23. Review status: criteria provided, single submitter. Criteria: Dines et al. (Genet Med. 2020). Collection method: curation. Allele origin: germline.
Comment: Missense variant in a coldspot region where missense variants are very unlikely to be pathogenic (PMID:31911673).

BRCA1 coldspot (exon 11 using historical exon numbering). Reclassification based on statistical prior probability

NM_007294.4(BRCA1):c.866G>A (p.Ser289Asn)

Gene: BRCA1 (BRCA1 DNA repair associated; minus strand). Cytogenetic location: 17q21.31.
Variant type: single nucleotide variant.
Coding change: c.866G>A on transcript NM_007294.4 (MANE Select); coding-DNA position 866, G replaced by A.
Protein change: p.Ser289Asn; replaces serine 289 with asparagine.
Molecular consequence: missense variant. On other transcripts: 5 prime UTR variant (2), intron variant (137).
Genome position (GRCh38, 1-based): chr17:43,094,665, C>T on the plus strand (G>A on the coding strand, the complement: BRCA1 is on the minus strand). VCF-style: chr17-43094665-C-T. GRCh37 (hg19) VCF-style: chr17-41246682-C-T.
Other names: c.722G>A, p.Ser241Asn (NM_001407847.1, NM_001407848.1, NM_001407849.1 and 20 more transcripts); c.725G>A, p.Ser242Asn (NM_001407850.1, NM_001407852.1, NM_001407851.1 and 29 more transcripts); c.866G>A, p.Ser289Asn (NM_001407854.1, NM_001407626.1, NM_001407639.1 and 30 more transcripts); c.653G>A, p.Ser218Asn (NM_001407853.1, NM_001407894.1, NM_001407895.1 and 9 more transcripts); c.863G>A, p.Ser288Asn (NM_001407627.1, NM_001407628.1, NM_001407629.1 and 22 more transcripts); c.857G>A, p.Ser286Asn (NM_001407646.1, NM_001407647.1); c.743G>A, p.Ser248Asn (NM_001407648.1, NM_001407664.1, NM_001407665.1 and 19 more transcripts); c.740G>A, p.Ser247Asn (NM_001407649.1, NM_001407670.1, NM_001407671.1 and 11 more transcripts); and 40 more; short protein forms S289N, S242N, S161N, S219N, S221N, S222N, S241N, S262N.
Identifiers: ClinVar variation 441442 (VCV000441442.17), dbSNP rs776999497, ClinGen allele CA056835.